The following is an entry in ClinVar:

ClinVar aggregate classification (germline): Uncertain significance (1 of 4 stars; one submission).

Conditions:
Inborn genetic diseases. Identifiers: MedGen C0950123, MeSH D030342.

Submission:

Ambry Genetics
Classification: Uncertain significance for Inborn genetic diseases. Last evaluated: 2023-11-01. Review status: criteria provided, single submitter. Criteria: Ambry Variant Classification Scheme 2023. Collection method: clinical testing. Allele origin: germline.
Comment: The p.L91H variant (also known as c.272T>A), located in coding exon 5 of the ERCC2 gene, results from a T to A substitution at nucleotide position 272. The leucine at codon 91 is replaced by histidine, an amino acid with similar properties. This amino acid position is conserved. In addition, the in silico prediction for this alteration is inconclusive. Since supporting evidence is limited at this time, the clinical significance of this alteration remains unclear.

NM_000400.4(ERCC2):c.272T>A (p.Leu91His)

Gene: ERCC2 (ERCC excision repair 2, TFIIH core complex helicase subunit; minus strand). Cytogenetic location: 19q13.32.
Variant type: single nucleotide variant.
Coding change: c.272T>A on transcript NM_000400.4 (MANE Select); coding-DNA position 272, T replaced by A.
Protein change: p.Leu91His; replaces leucine 91 with histidine.
Molecular consequence: missense variant.
Genome position (GRCh38, 1-based): chr19:45,368,718, A>T on the plus strand (T>A on the coding strand, the complement: ERCC2 is on the minus strand). VCF-style: chr19-45368718-A-T. GRCh37 (hg19) VCF-style: chr19-45871976-A-T.
Other names: c.200T>A, p.Leu67His (NM_001130867.2); short protein forms L67H, L91H.
Identifiers: ClinVar variation 3231689 (VCV003231689.1), dbSNP rs1972509341, ClinGen allele CA406378685.